The following is an entry in ClinVar:

NM_020975.6(RET):c.736C>T (p.His246Tyr)

Gene: RET (ret proto-oncogene; plus strand). Cytogenetic location: 10q11.21.
Variant type: single nucleotide variant.
Coding change: c.736C>T on transcript NM_020975.6 (MANE Select); coding-DNA position 736, C replaced by T.
Protein change: p.His246Tyr; replaces histidine 246 with tyrosine.
Molecular consequence: missense variant.
Genome position (GRCh38, 1-based): chr10:43,105,062, C>T. VCF-style: chr10-43105062-C-T. GRCh37 (hg19) VCF-style: chr10-43600510-C-T.
Other names: c.736C>T, p.His246Tyr (NM_000323.2, NM_001406743.1, NM_001406744.1 and 8 more transcripts); c.-27C>T (NM_001355216.2); c.607C>T, p.His203Tyr (NM_001406761.1, NM_001406762.1, NM_001406764.1 and 2 more transcripts); c.448C>T, p.His150Tyr (NM_001406766.1, NM_001406767.1, NM_001406770.1); short protein forms H246Y, H150Y, H203Y.
Identifiers: ClinVar variation 647022 (VCV000647022.9), dbSNP rs780756440, ClinGen allele CA376544802.
Genomic context (GRCh38, chr10:43,105,062, plus strand): 5'-CGCTGGGCCCTGGACCGCGAGCAGCGGGAGAAGTACGAGCTGGTGGCCGTGTGCACCGTG[C>T]ACGCCGGCGCGCGCGAGGAGGTGGTGATGGTGCCCTTCCCGGTGACCGTGTACGACGAGG-3'
Protein context (NP_066124.1, residues 236-256): KYELVAVCTV[His246Tyr]AGAREEVVMV

ClinVar aggregate classification (germline): Uncertain significance (1 of 4 stars; one submission).

Conditions:
Multiple endocrine neoplasia, type 2 (MEN2). Identifiers: Orphanet 653, MedGen C4048306, MONDO:0019003. Disease mechanism: gain of function.

gnomAD v4.1: 2 of 1,609,634 alleles (0.00012%); highest among the groups gnomAD compares: African/African-American, 0.0013%; no homozygotes.

Submission:

Labcorp Genetics (formerly Invitae), Labcorp
Classification: Uncertain significance for Multiple endocrine neoplasia, type 2. Last evaluated: 2018-07-29. Review status: criteria provided, single submitter. Criteria: Invitae Variant Classification Sherloc (09022015). Collection method: clinical testing. Allele origin: germline.
Comment: This sequence change replaces histidine with tyrosine at codon 246 of the RET protein (p.His246Tyr). The histidine residue is weakly conserved and there is a moderate physicochemical difference between histidine and tyrosine. This variant is not present in population databases (ExAC no frequency). In summary, the available evidence is currently insufficient to determine the role of this variant in disease. Therefore, it has been classified as a Variant of Uncertain Significance. Algorithms developed to predict the effect of sequence changes on RNA splicing suggest that this variant may create or strengthen a splice site, but this prediction has not been confirmed by published transcriptional studies. Algorithms developed to predict the effect of missense changes on protein structure and function are either unavailable or do not agree on the potential impact of this missense change (SIFT: "Deleterious"; PolyPhen-2: "Benign"; Align-GVGD: "Class C0"). This variant has not been reported in the literature in individuals with RET-related disease.